The following is an entry in ClinVar:

ClinVar aggregate classification (germline): Uncertain significance (1 of 4 stars; one submission).

gnomAD v4.1: 157 of 1,613,646 alleles (0.0097%); highest among the groups gnomAD compares: East Asian, 0.042%; no homozygotes.

Submission:

Labcorp Genetics (formerly Invitae), Labcorp
Classification: Uncertain significance. Last evaluated: 2024-02-24. Review status: criteria provided, single submitter. Criteria: Invitae Variant Classification Sherloc (09022015). Collection method: clinical testing. Allele origin: germline.
Comment: This sequence change replaces arginine, which is basic and polar, with cysteine, which is neutral and slightly polar, at codon 1729 of the ZDBF2 protein (p.Arg1729Cys). This variant is present in population databases (rs531064136, gnomAD 0.07%), and has an allele count higher than expected for a pathogenic variant. This variant has not been reported in the literature in individuals affected with ZDBF2-related conditions. An algorithm developed to predict the effect of missense changes on protein structure and function (PolyPhen-2) suggests that this variant is likely to be tolerated. In summary, the available evidence is currently insufficient to determine the role of this variant in disease. Therefore, it has been classified as a Variant of Uncertain Significance.

NM_020923.3(ZDBF2):c.5185C>T (p.Arg1729Cys)

Gene: ZDBF2 (zinc finger DBF-type containing 2; plus strand). Cytogenetic location: 2q33.3.
Variant type: single nucleotide variant.
Coding change: c.5185C>T on transcript NM_020923.3 (MANE Select); coding-DNA position 5185, C replaced by T.
Protein change: p.Arg1729Cys; replaces arginine 1729 with cysteine.
Molecular consequence: missense variant.
Genome position (GRCh38, 1-based): chr2:206,309,713, C>T. VCF-style: chr2-206309713-C-T. GRCh37 (hg19) VCF-style: chr2-207174437-C-T.
Other names: c.5179C>T, p.Arg1727Cys (NM_001285549.2); c.5185C>T, p.Arg1729Cys (NM_001369654.1); short protein forms R1727C, R1729C.
Identifiers: ClinVar variation 4694470 (VCV004694470.1).